The following is an entry in ClinVar:

ClinVar aggregate classification (germline): Uncertain significance. Review status: criteria provided, multiple submitters, no conflicts (2 of 4 stars). 5 submissions from 5 submitters: Uncertain significance (5). Last evaluated 2025-12-08.

Conditions:
Inborn genetic diseases. Identifiers: MedGen C0950123, MeSH D030342.
Hereditary fructosuria. Also called: ALDOB DEFICIENCY; ALDOLASE B DEFICIENCY; FRUCTOSE-1,6-BISPHOSPHATE ALDOLASE B DEFICIENCY; FRUCTOSE-1-PHOSPHATE ALDOLASE DEFICIENCY; FRUCTOSEMIA; Hereditary fructose intolerance. Identifiers: Orphanet 469, MedGen C0016751, MONDO:0009249, OMIM 229600, HP:0005973. Disease mechanism: loss of function.

Allele frequency attached by ClinVar (database versions not stated): TOPMed below 0.00001; gnomAD 0.00001; ExAC 0.00002; gnomAD exomes 0.00002 and 0.00003; ESP Exome Variant Server 0.00015.

Submissions (5):

Labcorp Genetics (formerly Invitae), Labcorp
Classification: Uncertain significance for Hereditary fructosuria. Last evaluated: 2025-12-08. Review status: criteria provided, single submitter. Criteria: Invitae Variant Classification Sherloc (09022015). Collection method: clinical testing. Allele origin: germline.
Comment: This sequence change replaces arginine, which is basic and polar, with glutamine, which is neutral and polar, at codon 60 of the ALDOB protein (p.Arg60Gln). This variant is present in population databases (rs141267935, gnomAD 0.01%). This variant has not been reported in the literature in individuals affected with ALDOB-related conditions. ClinVar contains an entry for this variant (Variation ID: 596204). An algorithm developed to predict the effect of missense changes on protein structure and function (PolyPhen-2) suggests that this variant is likely to be disruptive. In summary, the available evidence is currently insufficient to determine the role of this variant in disease. Therefore, it has been classified as a Variant of Uncertain Significance.

Ambry Genetics
Classification: Uncertain significance for Inborn genetic diseases. Last evaluated: 2022-06-21. Review status: criteria provided, single submitter. Criteria: Ambry Variant Classification Scheme 2023. Collection method: clinical testing. Allele origin: germline.

Fulgent Genetics
Classification: Uncertain significance for Hereditary fructosuria. Last evaluated: 2021-09-02. Review status: criteria provided, single submitter. Criteria: ACMG Guidelines, 2015. Collection method: clinical testing. Allele origin: unknown.

GeneDx
Classification: Uncertain significance. Last evaluated: 2019-07-25. Review status: criteria provided, single submitter. Criteria: GeneDx Variant Classification Process June 2021. Collection method: clinical testing. Allele origin: germline. Affected: yes.
Comment: In silico analysis, which includes protein predictors and evolutionary conservation, supports a deleterious effect; Has not been previously published as pathogenic or benign to our knowledge

Eurofins Ntd Llc (ga)
Classification: Uncertain significance. Last evaluated: 2018-02-21. Review status: criteria provided, single submitter. Criteria: EGL ClinVar v180209 classification definitions. Collection method: clinical testing. Allele origin: germline. Observed: 1 variant allele, 1 heterozygote.

NM_000035.4(ALDOB):c.179G>A (p.Arg60Gln)

Gene: ALDOB (aldolase, fructose-bisphosphate B; minus strand). Cytogenetic location: 9q31.1.
Variant type: single nucleotide variant.
Coding change: c.179G>A on transcript NM_000035.4 (MANE Select); coding-DNA position 179, G replaced by A.
Protein change: p.Arg60Gln; replaces arginine 60 with glutamine.
Molecular consequence: missense variant.
Genome position (GRCh38, 1-based): chr9:101,429,900, C>T on the plus strand (G>A on the coding strand, the complement: ALDOB is on the minus strand). VCF-style: chr9-101429900-C-T. GRCh37 (hg19) VCF-style: chr9-104192182-C-T.
Other names: c.179G>A, p.Arg60Gln (LRG_1244t1); short protein forms R60Q.
Identifiers: ClinVar variation 596204 (VCV000596204.12), dbSNP rs141267935, ClinGen allele CA5161704.
Genomic context (GRCh38, chr9:101,429,900, plus strand): 5'-AAAAGGATCACACCCCCGATGCTCTGGTTGATGGAACTGTCCACAGAGAAGAGGATTTCT[C>T]GGAACTGCCGGCGGTTCTCTTCAGTGTTTTCCACCTTGATCCTCTGCAGGCGGTTCCCCA-3'
Protein context (NP_000026.2, residues 50-70): ENTEENRRQF[Arg60Gln]EILFSVDSSI